The following is an entry in ClinVar:

NC_012920.1(MT-ND4):m.12054G>A

Gene: MT-ND4 (mitochondrially encoded NADH dehydrogenase 4; plus strand).
Variant type: single nucleotide variant.
Genome position: chrM-12054-G-A.
Identifiers: ClinVar variation 693406 (VCV000693406.2), dbSNP rs1603223526, ClinGen allele CA414812281.

ClinVar aggregate classification (germline): Uncertain significance. Review status: criteria provided, multiple submitters, no conflicts (2 of 4 stars). 2 submissions from 2 submitters: Uncertain significance (2). Last evaluated 2024-03-06.

Conditions:
Mitochondrial complex I deficiency. Also called: NADH:Q(1) OXIDOREDUCTASE DEFICIENCY. Identifiers: Orphanet 2609, MedGen C1838979, MeSH C537475, MONDO:0100133.
Leigh syndrome (NULS). Also called: Leigh's necrotizing encephalopathy; Leigh's disease; Leigh Syndrome (mtDNA deletion); Leigh Disease; Subacute necrotizing encephalopathy; Necrotizing encephalopathy infantile subacute of Leigh. Identifiers: Orphanet 506, MedGen C2931891, MONDO:0009723, OMIM 256000.

Submissions (2):

Johns Hopkins Genomics, Johns Hopkins University
Classification: Uncertain significance for Mitochondrial complex I deficiency. Last evaluated: 2024-03-06. Review status: criteria provided, single submitter. Criteria: ACMG Guidelines, 2015. Collection method: clinical testing. Allele origin: germline.
Comment: This MT-ND4 variant (rs1603223526) is absent from a large population dataset and has been reported in ClinVar. Multiple bioinformatic tools queried predict that this substitution would be damaging, and the arginine residue at this position is conserved across the vertebrate species assessed. Due to insufficient evidence, we consider the clinical significance of m.12054G>A to be uncertain at this time.

Wong Mito Lab, Molecular and Human Genetics, Baylor College of Medicine
Classification: Uncertain significance for Leigh syndrome. Last evaluated: 2019-10-17. Review status: criteria provided, single submitter. Criteria: Modified ACMG Guidelines (Unpublished). Collection method: clinical testing. Allele origin: germline.
Comment: The NC_012920.1:m.12054G>A (YP_003024035.1:p.Arg432Gln) variant in MTND4 gene is interpretated to be a Uncertain Significance variant based on the modified ACMG guidelines (unpublished). This variant meets the following evidence codes: PP7

Literature cited by the submitters: PubMed 20301352 (cited by Johns Hopkins Genomics, Johns Hopkins University); PubMed 26906428 (cited by Johns Hopkins Genomics, Johns Hopkins University).